The following is an entry in ClinVar:

ClinVar aggregate classification (germline): Uncertain significance (1 of 4 stars; one submission).

Submission:

GeneDx
Classification: Uncertain significance. Last evaluated: 2026-04-18. Review status: criteria provided, single submitter. Criteria: GeneDx Variant Classification Process June 2021. Collection method: clinical testing. Allele origin: germline.
Comment: Not observed at significant frequency in large population cohorts (gnomAD); In silico analysis suggests that this missense variant does not alter protein structure/function; Has not been previously published as pathogenic or benign to our knowledge

NM_014975.3(MAST1):c.2482G>A (p.Asp828Asn)

Genes: MAST1 (microtubule associated serine/threonine kinase 1; plus strand), LOC112543452 (Sharpr-MPRA regulatory region 6054; plus strand). Cytogenetic location: 19p13.13.
Variant type: single nucleotide variant.
Coding change: c.2482G>A on transcript NM_014975.3 (MANE Select); coding-DNA position 2482, G replaced by A.
Protein change: p.Asp828Asn; replaces aspartic acid 828 with asparagine.
Molecular consequence: missense variant.
Genome position (GRCh38, 1-based): chr19:12,867,893, G>A. VCF-style: chr19-12867893-G-A. GRCh37 (hg19) VCF-style: chr19-12978707-G-A.
Other names: short protein forms D828N.
Identifiers: ClinVar variation 5036991 (VCV005036991.1).